The following is an entry in ClinVar:

NC_012920.1(MT-ND2):m.4746T>C

Gene: MT-ND2 (mitochondrially encoded NADH dehydrogenase 2; plus strand).
Variant type: single nucleotide variant.
Genome position: chrM-4746-T-C.
Identifiers: ClinVar variation 692495 (VCV000692495.1), dbSNP rs1603219594, ClinGen allele CA414775600.

ClinVar aggregate classification (germline): Uncertain significance (1 of 4 stars; one submission).

Conditions:
Leigh syndrome (NULS). Also called: Leigh's necrotizing encephalopathy; Leigh's disease; Leigh Syndrome (mtDNA deletion); Leigh Disease; Subacute necrotizing encephalopathy; Necrotizing encephalopathy infantile subacute of Leigh. Identifiers: Orphanet 506, MedGen C2931891, MONDO:0009723, OMIM 256000.

Submission:

Wong Mito Lab, Molecular and Human Genetics, Baylor College of Medicine
Classification: Uncertain significance for Leigh syndrome. Last evaluated: 2019-10-17. Review status: criteria provided, single submitter. Criteria: Modified ACMG Guidelines (Unpublished). Collection method: clinical testing. Allele origin: germline.
Comment: The NC_012920.1:m.4746T>C (YP_003024027.1:p.Tyr93His) variant in MTND2 gene is interpretated to be a Uncertain Significance variant based on the modified ACMG guidelines (unpublished). This variant meets the following evidence codes: PP4